The following is an entry in ClinVar:

ClinVar aggregate classification (germline): Pathogenic (1 of 4 stars; one submission).

Conditions:
Primary ciliary dyskinesia. Also called: Ciliary dyskinesia. Identifiers: Orphanet 244, MedGen C0008780, MONDO:0016575, HP:0012265.

Submission:

Labcorp Genetics (formerly Invitae), Labcorp
Classification: Pathogenic for Primary ciliary dyskinesia. Last evaluated: 2023-09-29. Review status: criteria provided, single submitter. Criteria: Invitae Variant Classification Sherloc (09022015). Collection method: clinical testing. Allele origin: germline.
Comment: This sequence change creates a premature translational stop signal (p.Ser2528*) in the DNAH11 gene. It is expected to result in an absent or disrupted protein product. Loss-of-function variants in DNAH11 are known to be pathogenic (PMID: 18022865, 20513915, 22184204). This variant is not present in population databases (gnomAD no frequency). This variant has not been reported in the literature in individuals affected with DNAH11-related conditions. Algorithms developed to predict the effect of sequence changes on RNA splicing suggest that this variant may disrupt the consensus splice site. For these reasons, this variant has been classified as Pathogenic.

Literature cited by the submitters: PubMed 18022865; PubMed 20513915; PubMed 22184204.

NM_001277115.2(DNAH11):c.7583_7584del (p.Leu2527_Ser2528insTer)

Gene: DNAH11 (dynein axonemal heavy chain 11; plus strand). Cytogenetic location: 7p15.3.
Variant type: Microsatellite.
Coding change: c.7583_7584del on transcript NM_001277115.2 (MANE Select); coding-DNA positions 7583 to 7584, 2 bases deleted (CT; older notation c.7583_7584delCT).
Protein change: p.Leu2527_Ser2528insTer.
Molecular consequence: nonsense. On other transcripts: frameshift variant (1).
Genome position (GRCh38, 1-based): chr7:21,735,782-21,735,783, CT deleted; deleting any 2 consecutive bases within chr7:21,735,777-21,735,783 gives the same sequence; the c. name uses the placement nearest the transcript's 3' end. VCF-style (leftmost placement, unchanged base first): chr7-21735776-GTC-G. GRCh37 (hg19) VCF-style: chr7-21775394-GTC-G.
Other names: c.7600_7601CT[2], p.Ser2535Terfs (NM_003777.3).
Identifiers: ClinVar variation 2718047 (VCV002718047.3), dbSNP rs1223268225, ClinGen allele CA836661077.